The following is an entry in ClinVar:

NM_001034853.2(RPGR):c.2138del (p.Lys713fs)

Gene: RPGR (retinitis pigmentosa GTPase regulator; minus strand). Cytogenetic location: Xp11.4.
Variant type: Deletion.
Coding change: c.2138del on transcript NM_001034853.2 (MANE Select); coding-DNA position 2138, one base deleted (A; older notation c.2138delA).
Protein change: p.Lys713fs; shifts the reading frame from lysine 713.
Molecular consequence: frameshift variant. On other transcripts: intron variant (8).
Genome position (GRCh38, 1-based): chrX:38,286,861, T deleted on the plus strand (A on the coding strand, the reverse complement: RPGR is on the minus strand); the first of 4 consecutive T bases (chrX:38,286,861-38,286,864); deleting any one gives the same sequence. VCF-style (leftmost placement, unchanged base first): chrX-38286860-CT-C. GRCh37 (hg19) VCF-style: chrX-38146113-CT-C.
Other names: c.1569+4098del (NM_001367249.1, NM_001367250.1); c.1902+233del (NM_001367245.1); c.1386+4098del (NM_001367251.1); c.1719+233del (NM_001367246.1); c.1572+4098del (NM_001367247.1); c.1905+233del (NM_000328.3); c.1602+4098del (NM_001367248.1); short protein forms K713fs.
Identifiers: ClinVar variation 865810 (VCV000865810.2), dbSNP rs2067191635, ClinGen allele CA916083913.

ClinVar aggregate classification (germline): Likely pathogenic. Review status: criteria provided, single submitter (1 of 4 stars). 2 submissions from 1 submitter: Likely pathogenic (1). 1 of the submissions does not count toward it. Last evaluated 2018-11-09.

Conditions:
Retinitis pigmentosa 3. Also called: CHOROIDORETINAL DEGENERATION WITH RETINAL REFLEX IN HETEROZYGOUS WOMEN. Identifiers: Orphanet 791, MedGen C1845667, MONDO:0010227, OMIM 300029.
Retinal dystrophy. Also called: Inherited retinal dystrophy. Identifiers: Orphanet 71862, MedGen C0854723, MeSH D058499, MONDO:0019118, HP:0000556.

Submissions (2):

Blueprint Genetics
Classification: Likely pathogenic for Retinal dystrophy. Last evaluated: 2018-11-09. Review status: criteria provided, single submitter. Criteria: Blueprint Genetics Variant Classification Scheme. Collection method: clinical testing. Allele origin: germline. Affected: yes.

Blueprint Genetics
Classification: Likely pathogenic for Retinitis pigmentosa 3. Review status: no assertion criteria provided. Collection method: clinical testing. Allele origin: germline. Affected: yes. Not counted in ClinVar's aggregate classification.